The following is an entry in ClinVar:

ClinVar aggregate classification (germline): Uncertain significance. Review status: criteria provided, multiple submitters, no conflicts (2 of 4 stars). 2 submissions from 2 submitters: Uncertain significance (2). Last evaluated 2026-01-08.

Conditions:
Inborn genetic diseases. Identifiers: MedGen C0950123, MeSH D030342.
Nemaline myopathy 6 (NEM6). Also called: Nemaline myopathy 6, autosomal dominant. Identifiers: Orphanet 171439, MedGen C1836472, MONDO:0012237, OMIM 609273.

Allele frequency attached by ClinVar (database versions not stated): gnomAD exomes 0.00001; ExAC 0.00005.
gnomAD v4.1: 9 of 1,556,500 alleles (0.00058%); highest among the groups gnomAD compares: South Asian, 0.0023%; no homozygotes.

Submissions (2):

Labcorp Genetics (formerly Invitae), Labcorp
Classification: Uncertain significance for Nemaline myopathy 6. Last evaluated: 2026-01-08. Review status: criteria provided, single submitter. Criteria: Invitae Variant Classification Sherloc (09022015). Collection method: clinical testing. Allele origin: germline.
Comment: This sequence change replaces arginine, which is basic and polar, with tryptophan, which is neutral and slightly polar, at codon 41 of the KBTBD13 protein (p.Arg41Trp). The frequency data for this variant in the population databases is considered unreliable, as metrics indicate poor data quality at this position in the gnomAD database. This variant has not been reported in the literature in individuals affected with KBTBD13-related conditions. ClinVar contains an entry for this variant (Variation ID: 1037225). Invitae Evidence Modeling of protein sequence and biophysical properties (such as structural, functional, and spatial information, amino acid conservation, physicochemical variation, residue mobility, and thermodynamic stability) indicates that this missense variant is expected to disrupt KBTBD13 protein function with a positive predictive value of 80%. In summary, the available evidence is currently insufficient to determine the role of this variant in disease. Therefore, it has been classified as a Variant of Uncertain Significance.

Ambry Genetics
Classification: Uncertain significance for Inborn genetic diseases. Last evaluated: 2023-10-30. Review status: criteria provided, single submitter. Criteria: Ambry Variant Classification Scheme 2023. Collection method: clinical testing. Allele origin: germline.

NM_001101362.3(KBTBD13):c.121C>T (p.Arg41Trp)

Gene: KBTBD13 (kelch repeat and BTB domain containing 13; plus strand). Cytogenetic location: 15q22.31.
Variant type: single nucleotide variant.
Coding change: c.121C>T on transcript NM_001101362.3 (MANE Select); coding-DNA position 121, C replaced by T.
Protein change: p.Arg41Trp; replaces arginine 41 with tryptophan.
Molecular consequence: missense variant.
Genome position (GRCh38, 1-based): chr15:65,076,936, C>T. VCF-style: chr15-65076936-C-T. GRCh37 (hg19) VCF-style: chr15-65369274-C-T.
Other names: c.121C>T (NM_001101362.2); short protein forms R41W.
Identifiers: ClinVar variation 1037225 (VCV001037225.8), dbSNP rs775442274, ClinGen allele CA7613873.